The following is an entry in ClinVar:

ClinVar aggregate classification (germline): Pathogenic (1 of 4 stars; one submission).

Conditions:
Developmental and epileptic encephalopathy, 11 (DEE11). Also called: Early infantile epileptic encephalopathy 11. Identifiers: Orphanet 1934, MedGen C3150987, MONDO:0013388, OMIM 613721.
Seizures, benign familial infantile, 3 (BFIS3). Also called: Familial neonatal seizures; CONVULSIONS, BENIGN FAMILIAL INFANTILE, 3. Identifiers: Orphanet 140927, Orphanet 306, MedGen C1843140, MONDO:0011904, OMIM 607745.

Submission:

Labcorp Genetics (formerly Invitae), Labcorp
Classification: Pathogenic for Seizures, benign familial infantile, 3; Developmental and epileptic encephalopathy, 11. Last evaluated: 2025-01-19. Review status: criteria provided, single submitter. Criteria: Invitae Variant Classification Sherloc (09022015). Collection method: clinical testing. Allele origin: germline.
Comment: This sequence change creates a premature translational stop signal (p.Gln627*) in the SCN2A gene. It is expected to result in an absent or disrupted protein product. Loss-of-function variants in SCN2A are known to be pathogenic (PMID: 28379373). This variant is not present in population databases (gnomAD no frequency). This variant has not been reported in the literature in individuals affected with SCN2A-related conditions. For these reasons, this variant has been classified as Pathogenic.

Literature cited by the submitters: PubMed 28379373.

NM_001040142.2(SCN2A):c.1879C>T (p.Gln627Ter)

Gene: SCN2A (sodium voltage-gated channel alpha subunit 2; plus strand). Cytogenetic location: 2q24.3.
Variant type: single nucleotide variant.
Coding change: c.1879C>T on transcript NM_001040142.2 (MANE Select); coding-DNA position 1879, C replaced by T.
Protein change: p.Gln627Ter; replaces glutamine 627 with a stop codon.
Molecular consequence: nonsense.
Genome position (GRCh38, 1-based): chr2:165,323,363, C>T. VCF-style: chr2-165323363-C-T. GRCh37 (hg19) VCF-style: chr2-166179873-C-T.
Other names: c.1879C>T, p.Gln627Ter (NM_001040143.2, NM_001371246.1, NM_001371247.1 and 1 more transcripts); short protein forms Q627*.
Identifiers: ClinVar variation 3760353 (VCV003760353.2).